The following is an entry in ClinVar:

ClinVar aggregate classification (germline): Uncertain significance (1 of 4 stars; one submission).

Conditions:
Hypertrophic cardiomyopathy. Also called: HYPERTROPHIC MYOCARDIOPATHY. Identifiers: Orphanet 217569, MedGen C0007194, MeSH D002312, MONDO:0005045, HP:0001639.

Submission:

Labcorp Genetics (formerly Invitae), Labcorp
Classification: Uncertain significance for Hypertrophic cardiomyopathy. Last evaluated: 2024-06-04. Review status: criteria provided, single submitter. Criteria: Invitae Variant Classification Sherloc (09022015). Collection method: clinical testing. Allele origin: germline.
Comment: This variant, c.3334_3351del, results in the deletion of 6 amino acid(s) of the MYBPC3 protein (p.Trp1112_Glu1117del), but otherwise preserves the integrity of the reading frame. This variant is not present in population databases (gnomAD no frequency). This variant has been observed in individual(s) with MYBPC3-related conditions (PMID: 27532257, 37652022). This variant disrupts a region of the MYBPC3 protein in which other variant(s) (p.Val1115Ile) have been observed in individuals with MYBPC3-related conditions (PMID: 11499719, 28356264, 33782553). This suggests that this is a clinically significant region of the protein, and that variants that disrupt it are likely to be disease-causing. In summary, the available evidence is currently insufficient to determine the role of this variant in disease. Therefore, it has been classified as a Variant of Uncertain Significance.

Literature cited by the submitters: PubMed 27532257; PubMed 37652022; PubMed 11499719; PubMed 28356264; PubMed 33782553.

NC_000011.10:g.47332957_47332974del

Gene: MYBPC3 (myosin binding protein C3; minus strand). Cytogenetic location: 11p11.2.
Variant type: Deletion.
Genome position: GRCh38 VCF-style: chr11-47332952-GCTCCAAGACGGTGAACCA-G. GRCh37 (hg19) VCF-style: chr11-47354503-GCTCCAAGACGGTGAACCA-G.
Identifiers: ClinVar variation 3721024 (VCV003721024.2).
Genomic context (GRCh38, chr11:47,332,952, plus strand): 5'-GGAAGTAGTAGCCATTGCCAATGATGAGCTCTGGCACCACGCAGTGGGTGCGGCGGTAAT[GCTCCAAGACGGTGAACCA>G]CTCCTGGGGGCAGGGAGGGAGGGGAGGCATCTCTGGGCCAGGCCCTTCCTGATGCCGAGA-3'